The following is an entry in ClinVar:

ClinVar aggregate classification (germline): not provided (0 of 4 stars; one submission).

Allele frequency attached by ClinVar (database versions not stated): gnomAD 0.00001 and 0.00002; ExAC 0.00002.

Submission:

Human Evolutionary Genetics, Institut Pasteur
No classification provided. Review status: no classification provided. Collection method: not provided. Allele origin: germline.
ClinVar note: Converted during submission from untested to not provided.

NM_176820.4(NLRP9):c.1218T>C (p.Tyr406=)

Gene: NLRP9 (NLR family pyrin domain containing 9; minus strand). Cytogenetic location: 19q13.42.
Variant type: single nucleotide variant.
Coding change: c.1218T>C on transcript NM_176820.4 (MANE Select); coding-DNA position 1218, T replaced by C.
Protein change: p.Tyr406=; no amino-acid change (tyrosine 406 retained).
Molecular consequence: synonymous variant.
Genome position (GRCh38, 1-based): chr19:55,732,613, A>G on the plus strand (T>C on the coding strand, the complement: NLRP9 is on the minus strand). VCF-style: chr19-55732613-A-G. GRCh37 (hg19) VCF-style: chr19-56243979-A-G.
Identifiers: ClinVar variation 132877 (VCV000132877.2), dbSNP rs199475849, ClinGen allele CA231728.